The following is an entry in ClinVar:

ClinVar aggregate classification (germline): Uncertain significance. Review status: criteria provided, multiple submitters, no conflicts (2 of 4 stars). 2 submissions from 2 submitters: Uncertain significance (2). Last evaluated 2023-07-10.

Conditions:
Seckel syndrome 10 (SCKL10). Identifiers: MedGen C4310647, MONDO:0014991, OMIM 617253.

gnomAD v4.1: 7 of 1,614,084 alleles (0.00043%); highest among the groups gnomAD compares: East Asian, 0.0022%; no homozygotes.

Submissions (2):

Revvity Omics, Revvity
Classification: Uncertain significance for Seckel syndrome 10. Last evaluated: 2023-07-10. Review status: criteria provided, single submitter. Criteria: ACMG Guidelines, 2015. Collection method: clinical testing. Allele origin: germline.

Labcorp Genetics (formerly Invitae), Labcorp
Classification: Uncertain significance. Last evaluated: 2021-06-16. Review status: criteria provided, single submitter. Criteria: Invitae Variant Classification Sherloc (09022015). Collection method: clinical testing. Allele origin: germline.
Comment: Algorithms developed to predict the effect of missense changes on protein structure and function are either unavailable or do not agree on the potential impact of this missense change (SIFT: "Tolerated"; PolyPhen-2: "Probably Damaging"; Align-GVGD: "Class C0"). This variant has not been reported in the literature in individuals with NSMCE2-related conditions. This variant is not present in population databases (ExAC no frequency). This sequence change replaces alanine with threonine at codon 193 of the NSMCE2 protein (p.Ala193Thr). The alanine residue is highly conserved and there is a small physicochemical difference between alanine and threonine. In summary, the available evidence is currently insufficient to determine the role of this variant in disease. Therefore, it has been classified as a Variant of Uncertain Significance.

NM_173685.4(NSMCE2):c.577G>A (p.Ala193Thr)

Gene: NSMCE2 (NSE2 SUMO ligase component of SMC5/6 complex; plus strand). Cytogenetic location: 8q24.13.
Variant type: single nucleotide variant.
Coding change: c.577G>A on transcript NM_173685.4 (MANE Select); coding-DNA position 577, G replaced by A.
Protein change: p.Ala193Thr; replaces alanine 193 with threonine.
Molecular consequence: missense variant. On other transcripts: non-coding transcript variant (1).
Genome position (GRCh38, 1-based): chr8:125,357,769, G>A. VCF-style: chr8-125357769-G-A. GRCh37 (hg19) VCF-style: chr8-126370011-G-A.
Other names: c.577G>A, p.Ala193Thr (NM_001349485.2, NM_001349486.2); short protein forms A193T.
Identifiers: ClinVar variation 1450777 (VCV001450777.10), dbSNP rs746545242, ClinGen allele CA372271034.